The following is an entry in ClinVar:

ClinVar aggregate classification (germline): Conflicting classifications of pathogenicity. Review status: criteria provided, conflicting classifications (1 of 4 stars). 7 submissions from 7 submitters: Uncertain significance (6); Likely benign (1). Last evaluated 2025-12-23.

Conditions:
Dilated cardiomyopathy 1DD (CMD1DD). Identifiers: Orphanet 154, MedGen C2750995, MONDO:0013168, OMIM 613172.
Cardiovascular phenotype. Identifiers: MedGen CN230736.
RBM20-related disorder. Also called: RBM20-related condition.
Cardiomyopathy (CMYO). Also called: Cardiomyopathies. Identifiers: Orphanet 167848, MedGen C0878544, MONDO:0004994, HP:0001638. Inheritance: Various modes of inheritance.
Hypertrophic cardiomyopathy. Also called: HYPERTROPHIC MYOCARDIOPATHY. Identifiers: Orphanet 217569, MedGen C0007194, MeSH D002312, MONDO:0005045, HP:0001639.

Allele frequency attached by ClinVar (database versions not stated): ExAC 0.00005; TOPMed 0.00001; gnomAD 0.00002; gnomAD exomes 0.00002.
gnomAD v4.1: 81 of 1,551,570 alleles (0.0052%); highest among the groups gnomAD compares: Non-Finnish European, 0.0065%; no homozygotes.

Submissions (7):

Labcorp Genetics (formerly Invitae), Labcorp
Classification: Likely benign for Dilated cardiomyopathy 1DD. Last evaluated: 2025-12-23. Review status: criteria provided, single submitter. Criteria: Invitae Variant Classification Sherloc (09022015). Collection method: clinical testing. Allele origin: germline.

PreventionGenetics, part of Exact Sciences
Classification: Uncertain significance for RBM20-related condition. Last evaluated: 2023-09-07. Review status: criteria provided, single submitter. Criteria: ACMG Guidelines, 2015. Collection method: clinical testing. Allele origin: germline.
Comment: The RBM20 c.2333C>T variant is predicted to result in the amino acid substitution p.Ala778Val. To our knowledge, this variant has not been reported in the literature. This variant is reported in 0.0050% of alleles in individuals of European (Non-Finnish) descent in gnomAD. At this time, the clinical significance of this variant is uncertain due to the absence of conclusive functional and genetic evidence.

CHEO Genetics Diagnostic Laboratory, Children's Hospital of Eastern Ontario
Classification: Uncertain significance for Cardiomyopathy. Last evaluated: 2023-03-02. Review status: criteria provided, single submitter. Criteria: ACMG Guidelines, 2015. Collection method: clinical testing. Allele origin: germline.

Clinical Genomics Laboratory, Stanford Medicine
Classification: Uncertain significance for Dilated cardiomyopathy 1DD. Last evaluated: 2021-04-16. Review status: criteria provided, single submitter. Criteria: ACMG Guidelines, 2015. Collection method: clinical testing. Allele origin: germline. Affected: yes. Observed: 1 heterozygote.
Comment: The p.Ala778Val variant in the RBM20 gene has been previously reported in 1 heterozygous individual with HCM (Lopes et al., 2014). This variant has been identified in 3/60,504 European chromosomes by the Genome Aggregation Database. Computational tools predict that the p.Ala778Val variant does not impact protein function; however, the accuracy of in silico algorithms is limited. These data were assessed using the ACMG/AMP variant interpretation guidelines. In summary, the significance of the p.Ala778Val variant is uncertain. Additional information is needed to resolve the significance of this variant. [ACMG evidence codes used: PM2; BP4]

Ambry Genetics
Classification: Uncertain significance for Cardiovascular phenotype. Last evaluated: 2021-01-04. Review status: criteria provided, single submitter. Criteria: Ambry Variant Classification Scheme 2023. Collection method: clinical testing. Allele origin: germline.

Agnes Ginges Centre for Molecular Cardiology, Centenary Institute
Classification: Uncertain significance for Hypertrophic cardiomyopathy. Last evaluated: 2017-04-05. Review status: criteria provided, single submitter. Criteria: ACMG Guidelines, 2015. Collection method: research. Allele origin: germline. Affected: yes.
Comment: This variant has been identified as part of our research program. Refer to the 'condition' field for the phenotype of the proband(s) identified with this variant. For further information please feel free to contact us.

Laboratory for Molecular Medicine, Mass General Brigham Personalized Medicine
Classification: Uncertain significance. Last evaluated: 2012-04-11. Review status: criteria provided, single submitter. Criteria: LMM Criteria. Collection method: clinical testing. Allele origin: germline. Observed: 1 variant allele.
Comment: The Ala778Val variant (RBM20) has not been reported in the literature nor previo usly identified by our laboratory. Computational analyses (biochemical amino aci d properties, conservation, AlignGVGD, PolyPhen2, and SIFT) do not provide stron g support for or against an impact to the protein. Additional information is nee ded to fully assess the clinical significance of this variant.

NM_001134363.3(RBM20):c.2333C>T (p.Ala778Val)

Gene: RBM20 (RNA binding motif protein 20; plus strand). Cytogenetic location: 10q25.2.
Variant type: single nucleotide variant.
Coding change: c.2333C>T on transcript NM_001134363.3 (MANE Select); coding-DNA position 2333, C replaced by T.
Protein change: p.Ala778Val; replaces alanine 778 with valine.
Molecular consequence: missense variant.
Genome position (GRCh38, 1-based): chr10:110,812,730, C>T. VCF-style: chr10-110812730-C-T. GRCh37 (hg19) VCF-style: chr10-112572488-C-T.
Other names: short protein forms A778V.
Identifiers: ClinVar variation 43989 (VCV000043989.18), dbSNP rs397516602, ClinGen allele CA133313.